The following is an entry in ClinVar:

ClinVar aggregate classification (germline): Pathogenic (0 of 4 stars; one submission).

Conditions:
Anophthalmia/microphthalmia-esophageal atresia syndrome (MCOPS3). Also called: MICROPHTHALMIA AND ESOPHAGEAL ATRESIA SYNDROME; AEG SYNDROME; SOX2 Disorder. Identifiers: Orphanet 77298, MedGen C1859773, MONDO:0008799, OMIM 206900.

Submission:

Anophthalmia/Microphthalmia Research Registry, Einstein Medical Center Philadelphia
Classification: Pathogenic for Anophthalmia/microphthalmia-esophageal atresia syndrome. Review status: no assertion criteria provided. Collection method: clinical testing. Allele origin: germline. Inheritance: Autosomal dominant inheritance. Affected: yes. Observed: 1 variant allele. Segregation with disease not observed.

GRCh37/hg19 3q27.1(chr3:182902731-182945128)x1

Gene: MCF2L2 (MCF.2 cell line derived transforming sequence-like 2; minus strand). Cytogenetic location: 3q27.1.
Variant type: copy number loss.
Change: copy number 1 (one copy instead of two) of chr3:182,902,731-182,945,128 (42.4 kb, GRCh37 coordinates, 1-based), cytogenetic band 3q27.1.
Identifiers: ClinVar variation 986757 (VCV000986757.1).